The following is an entry in ClinVar:

NM_001904.4(CTNNB1):c.1426C>T (p.Gln476Ter)

Genes: CTNNB1 (catenin beta 1; plus strand), LOC126806659 (BRD4-independent group 4 enhancer GRCh37_chr3:41274918-41276117; plus strand). Cytogenetic location: 3p22.1.
Variant type: single nucleotide variant.
Coding change: c.1426C>T on transcript NM_001904.4 (MANE Select); coding-DNA position 1426, C replaced by T.
Protein change: p.Gln476Ter; replaces glutamine 476 with a stop codon.
Molecular consequence: nonsense.
Genome position (GRCh38, 1-based): chr3:41,233,769, C>T. VCF-style: chr3-41233769-C-T. GRCh37 (hg19) VCF-style: chr3-41275260-C-T.
Other names: c.1426C>T, p.Gln476Ter (NM_001098209.2, NM_001098210.2, NM_001438871.1 and 4 more transcripts); c.1405C>T, p.Gln469Ter (NM_001330729.2); short protein forms Q469*, Q476*.
Identifiers: ClinVar variation 4854913 (VCV004854913.1).

ClinVar aggregate classification (germline): Likely pathogenic (1 of 4 stars; one submission).

Conditions:
Severe intellectual disability-progressive spastic diplegia syndrome (NEDSDV). Also called: CTNNB1 Neurodevelopmental Disorder; NEURODEVELOPMENTAL DISORDER WITH SPASTIC DIPLEGIA AND VISUAL DEFECTS. Identifiers: Orphanet 404473, MedGen C3554449, MONDO:0014035, OMIM 615075.

Submission:

3billion
Classification: Likely pathogenic for Severe intellectual disability-progressive spastic diplegia syndrome. Last evaluated: 2025-11-03. Review status: criteria provided, single submitter. Criteria: ACMG Guidelines, 2015. Collection method: clinical testing. Allele origin: germline. Affected: yes.
Comment: The variant is not observed in the gnomAD v4.1.0 dataset. Predicted Consequence/Location: Stop-gained (nonsense): predicted to result in a loss or disruption of normal protein function through nonsense-mediated decay (NMD) or protein truncation. Multiple pathogenic variants are reported downstream of the variant. Therefore, this variant is classified as Likely pathogenic according to the recommendation of ACMG/AMP guideline.